The following is an entry in ClinVar:

ClinVar aggregate classification (germline): Uncertain significance. Review status: criteria provided, multiple submitters, no conflicts (2 of 4 stars). 4 submissions from 4 submitters: Uncertain significance (3). 1 of the submissions does not count toward it. Last evaluated 2026-03-16.

Conditions:
Retinitis pigmentosa 25 (RP25). Identifiers: Orphanet 791, MedGen C1864446, MONDO:0011272, OMIM 602772.

Allele frequency attached by ClinVar (database versions not stated): gnomAD below 0.00001 and 0.00004; gnomAD exomes 0.00010 and 0.00019; TOPMed 0.00002; ExAC 0.00056.
gnomAD v4.1: 136 of 1,543,496 alleles (0.0088%); highest among the groups gnomAD compares: South Asian, 0.16%; 2 homozygotes.

Submissions (4):

Women's Health and Genetics/Laboratory Corporation of America, LabCorp
Classification: Uncertain significance. Last evaluated: 2026-03-16. Review status: criteria provided, single submitter. Criteria: LabCorp Variant Classification Summary - May 2015. Collection method: clinical testing. Allele origin: germline.
Comment: Variant summary: EYS c.7205G>A (p.Arg2402Lys) results in a conservative amino acid change in the encoded protein sequence. Algorithms developed to predict the effect of missense changes on protein structure and function all suggest that this variant is likely to be tolerated. The variant allele was found at a frequency of 0.00019 in 151860 control chromosomes. This frequency is not significantly higher than estimated for disease-causing variants in EYS, allowing no conclusion about variant significance. c.7205G>A has been observed in individual(s) affected with Retinitis Pigmentosa (El-Aziz_2010). These report(s) do not provide unequivocal conclusions about association of the variant with Retinitis Pigmentosa. To our knowledge, no experimental evidence demonstrating an impact on protein function has been reported. The following publication has been ascertained in the context of this evaluation (PMID: 20237254). ClinVar contains an entry for this variant (Variation ID: 549918). Based on the evidence outlined above, the variant was classified as uncertain significance.

Blueprint Genetics
Classification: Uncertain significance. Last evaluated: 2023-05-18. Review status: criteria provided, single submitter. Criteria: ACMG Guidelines, 2015. Collection method: clinical testing. Allele origin: germline.

Labcorp Genetics (formerly Invitae), Labcorp
Classification: Uncertain significance. Last evaluated: 2021-09-26. Review status: criteria provided, single submitter. Criteria: Invitae Variant Classification Sherloc (09022015). Collection method: clinical testing. Allele origin: germline.
Comment: This sequence change replaces arginine with lysine at codon 2402 of the EYS protein (p.Arg2402Lys). The arginine residue is highly conserved and there is a small physicochemical difference between arginine and lysine. This variant is present in population databases (rs766515998, ExAC 0.2%). This missense change has been observed in individual(s) with retinal dystrophy (PMID: 20237254). ClinVar contains an entry for this variant (Variation ID: 549918). Algorithms developed to predict the effect of missense changes on protein structure and function output the following: SIFT: "Deleterious"; PolyPhen-2: "Benign"; Align-GVGD: "Class C25". The lysine amino acid residue is found in multiple mammalian species, which suggests that this missense change does not adversely affect protein function. Algorithms developed to predict the effect of sequence changes on RNA splicing suggest that this variant may create or strengthen a splice site. In summary, the available evidence is currently insufficient to determine the role of this variant in disease. Therefore, it has been classified as a Variant of Uncertain Significance.

Counsyl
Classification: Uncertain significance for Retinitis pigmentosa 25. Last evaluated: 2018-03-30. Review status: no assertion criteria provided. Collection method: clinical testing. Allele origin: unknown. Not counted in ClinVar's aggregate classification.

Literature cited by the submitters: PubMed 20237254 (cited by 3 submitters).

NM_001142800.2(EYS):c.7205G>A (p.Arg2402Lys)

Gene: EYS (EGF-like photoreceptor maintenance factor; minus strand). Cytogenetic location: 6q12.
Variant type: single nucleotide variant.
Coding change: c.7205G>A on transcript NM_001142800.2 (MANE Select); coding-DNA position 7205, G replaced by A.
Protein change: p.Arg2402Lys; replaces arginine 2402 with lysine.
Molecular consequence: missense variant.
Genome position (GRCh38, 1-based): chr6:63,864,209, C>T on the plus strand (G>A on the coding strand, the complement: EYS is on the minus strand). VCF-style: chr6-63864209-C-T. GRCh37 (hg19) VCF-style: chr6-64574102-C-T.
Other names: c.7205G>A, p.Arg2402Lys (NM_001292009.2); short protein forms R2402K.
Identifiers: ClinVar variation 549918 (VCV000549918.6), dbSNP rs766515998, ClinGen allele CA3876835.